The following is an entry in ClinVar:

NM_173689.7(CRB2):c.38C>T (p.Ala13Val)

Gene: CRB2 (crumbs cell polarity complex component 2; plus strand). Cytogenetic location: 9q33.3.
Variant type: single nucleotide variant.
Coding change: c.38C>T on transcript NM_173689.7 (MANE Select); coding-DNA position 38, C replaced by T.
Protein change: p.Ala13Val; replaces alanine 13 with valine.
Molecular consequence: missense variant.
Genome position (GRCh38, 1-based): chr9:123,356,298, C>T. VCF-style: chr9-123356298-C-T. GRCh37 (hg19) VCF-style: chr9-126118577-C-T.
Other names: p.Ala13Val; c.38C>T (NM_173689.6); short protein forms A13V.
Identifiers: ClinVar variation 1027873 (VCV001027873.11), dbSNP rs199695001, ClinGen allele CA5231534.

ClinVar aggregate classification (germline): Conflicting classifications of pathogenicity. Review status: criteria provided, conflicting classifications (1 of 4 stars). 7 submissions from 7 submitters: Uncertain significance (4); Likely benign (2). 1 of the submissions does not count toward it. Last evaluated 2026-01-25.

Conditions:
CRB2-related disorder. Also called: CRB2-related condition; CRB2-related disorders.
Inborn genetic diseases. Identifiers: MedGen C0950123, MeSH D030342.
Focal segmental glomerulosclerosis 9 (FSGS9). Identifiers: Orphanet 656, MedGen C4015555, MONDO:0014539, OMIM 616220.

Allele frequency attached by ClinVar (database versions not stated): gnomAD 0.00046 and 0.00050; gnomAD exomes 0.00019 and 0.00010; TOPMed 0.00050; 1000 Genomes Project 30x 0.00109; ExAC 0.00034; 1000 Genomes Project 0.00120.
gnomAD v4.1: 226 of 1,545,244 alleles (0.015%); highest among the groups gnomAD compares: Middle Eastern, 0.24%; no homozygotes.

Submissions (7):

Labcorp Genetics (formerly Invitae), Labcorp
Classification: Likely benign. Last evaluated: 2026-01-25. Review status: criteria provided, single submitter. Criteria: Invitae Variant Classification Sherloc (09022015). Collection method: clinical testing. Allele origin: germline.

Blueprint Genetics
Classification: Uncertain significance. Last evaluated: 2024-11-25. Review status: criteria provided, single submitter. Criteria: ACMG Guidelines, 2015. Collection method: clinical testing. Allele origin: germline.

Ambry Genetics
Classification: Likely benign for Inborn genetic diseases. Last evaluated: 2024-06-04. Review status: criteria provided, single submitter. Criteria: Ambry Variant Classification Scheme 2023. Collection method: clinical testing. Allele origin: germline.

Mayo Clinic Laboratories, Mayo Clinic
Classification: Uncertain significance. Last evaluated: 2023-10-12. Review status: criteria provided, single submitter. Criteria: ACMG Guidelines, 2015. Collection method: clinical testing. Allele origin: germline. Observed: 1 variant allele.
Comment: BP4

Baylor Genetics
Classification: Uncertain significance for Focal segmental glomerulosclerosis 9. Last evaluated: 2019-12-24. Review status: criteria provided, single submitter. Criteria: ACMG Guidelines, 2015. Collection method: clinical testing. Allele origin: unknown. Affected: yes.
Comment: This variant was determined to be of uncertain significance according to ACMG Guidelines, 2015 [PMID:25741868].

Breakthrough Genomics
Classification: Uncertain significance. Review status: criteria provided, single submitter. Criteria: ACMG Guidelines, 2015. Collection method: not provided. Allele origin: germline. Inheritance: Autosomal recessive inheritance. Affected: yes.

PreventionGenetics, part of Exact Sciences
Classification: Likely benign for CRB2-related condition. Last evaluated: 2024-04-16. Review status: no assertion criteria provided. Collection method: clinical testing. Allele origin: germline. Not counted in ClinVar's aggregate classification.
Comment: This variant is classified as likely benign based on ACMG/AMP sequence variant interpretation guidelines (Richards et al. 2015 PMID: 25741868, with internal and published modifications).